The following is an entry in ClinVar:

NM_001164508.2(NEB):c.13115dup (p.Ser4373fs)

Gene: NEB (nebulin; minus strand). Cytogenetic location: 2q23.3.
Variant type: Duplication.
Coding change: c.13115dup on transcript NM_001164508.2 (MANE Select); coding-DNA position 13115, one base duplicated (G; older notation c.13115dupG).
Protein change: p.Ser4373fs; shifts the reading frame from serine 4373.
Molecular consequence: frameshift variant. On other transcripts: intron variant (1).
Genome position (GRCh38, 1-based): chr2:151,603,717, C duplicated on the plus strand (G on the coding strand, the reverse complement: NEB is on the minus strand); the first of 3 consecutive C bases (chr2:151,603,717-151,603,719); duplicating any one gives the same sequence. VCF-style (leftmost placement, unchanged base first): chr2-151603716-A-AC. GRCh37 (hg19) VCF-style: chr2-152460230-A-AC.
Other names: c.13115dup, p.Ser4373fs (NM_001164507.2, NM_001271208.2); c.11601+6092dup (NM_004543.5); c.13115dup (NM_001271208.1); c.13115dupG (NM_001271208.2); short protein forms S4373fs.
Identifiers: ClinVar variation 2677139 (VCV002677139.2), dbSNP rs2552222912, ClinGen allele CA2695197046.
Genomic context (GRCh38, chr2:151,603,716, plus strand): 5'-ACGATACAGCCTTTCATTCAAGAGATTCTGGGCATTCTTCACTCTCATCACTTCCACAGA[A>AC]CCCTCTGGCAGCCATCCAATACCCTTCAGCCATTCCAGGTCTGACTTGTACAAGTTCTAC-3'

ClinVar aggregate classification (germline): Pathogenic/Likely pathogenic. Review status: criteria provided, multiple submitters, no conflicts (2 of 4 stars). 2 submissions from 2 submitters: Pathogenic (1); Likely pathogenic (1). Last evaluated 2025-07-23.

Conditions:
Nemaline myopathy. Also called: Myopathies, Nemaline. Identifiers: Orphanet 607, MedGen C0206157, MONDO:0018958.
Arthrogryposis multiplex congenita 6. Identifiers: MedGen C5543431, MONDO:0030281, OMIM 619334.

Submissions (2):

Women's Health and Genetics/Laboratory Corporation of America, LabCorp
Classification: Pathogenic for Nemaline myopathy. Last evaluated: 2025-07-23. Review status: criteria provided, single submitter. Criteria: LabCorp Variant Classification Summary - May 2015. Collection method: clinical testing. Allele origin: germline.
Comment: Variant summary: NEB c.13115dupG (p.Ser4373PhefsX16) results in a premature termination codon, predicted to cause a truncation of the encoded protein or absence of the protein due to nonsense mediated decay, which are commonly known mechanisms for disease. The frequency data for this variant in gnomAD is considered unreliable, as metrics indicate poor data quality at this position. To our knowledge, no occurrence of c.13115dupG in individuals affected with Nemaline Myopathy 2 and no experimental evidence demonstrating its impact on protein function have been reported. ClinVar contains an entry for this variant (Variation ID: 2677139). Based on the evidence outlined above, the variant was classified as pathogenic.

Baylor Genetics
Classification: Likely pathogenic for Arthrogryposis multiplex congenita 6. Last evaluated: 2023-02-04. Review status: criteria provided, single submitter. Criteria: ACMG Guidelines, 2015. Collection method: clinical testing. Allele origin: unknown.